The following is an entry in ClinVar:

NM_004984.4(KIF5A):c.1569+4A>G

Gene: KIF5A (kinesin family member 5A; plus strand). Cytogenetic location: 12q13.3.
Variant type: single nucleotide variant.
Coding change: c.1569+4A>G on transcript NM_004984.4 (MANE Select); 4 bases into the intron after coding-DNA position 1569, A replaced by G.
Molecular consequence: intron variant.
Genome position (GRCh38, 1-based): chr12:57,572,271, A>G. VCF-style: chr12-57572271-A-G. GRCh37 (hg19) VCF-style: chr12-57966054-A-G.
Other names: c.1302+4A>G (NM_001354705.2).
Identifiers: ClinVar variation 2039556 (VCV002039556.4), dbSNP rs2540504308, ClinGen allele CA2580086598.

ClinVar aggregate classification (germline): Uncertain significance (1 of 4 stars; one submission).

Conditions:
Spastic paraplegia. Identifiers: MedGen C0037772, HP:0001258.

Submission:

Labcorp Genetics (formerly Invitae), Labcorp
Classification: Uncertain significance for Spastic paraplegia. Last evaluated: 2024-01-17. Review status: criteria provided, single submitter. Criteria: Invitae Variant Classification Sherloc (09022015). Collection method: clinical testing. Allele origin: germline.
Comment: This sequence change falls in intron 14 of the KIF5A gene. It does not directly change the encoded amino acid sequence of the KIF5A protein. It affects a nucleotide within the consensus splice site. This variant is not present in population databases (gnomAD no frequency). This variant has not been reported in the literature in individuals affected with KIF5A-related conditions. ClinVar contains an entry for this variant (Variation ID: 2039556). Variants that disrupt the consensus splice site are a relatively common cause of aberrant splicing (PMID: 17576681, 9536098). Algorithms developed to predict the effect of sequence changes on RNA splicing suggest that this variant may create or strengthen a splice site. In summary, the available evidence is currently insufficient to determine the role of this variant in disease. Therefore, it has been classified as a Variant of Uncertain Significance.

Literature cited by the submitters: PubMed 17576681; PubMed 9536098.